The following is an entry in ClinVar:

NM_000051.4(ATM):c.5434G>C (p.Ala1812Pro)

Gene: ATM (ATM serine/threonine kinase; plus strand). Cytogenetic location: 11q22.3.
Variant type: single nucleotide variant.
Coding change: c.5434G>C on transcript NM_000051.4 (MANE Select); coding-DNA position 5434, G replaced by C.
Protein change: p.Ala1812Pro; replaces alanine 1812 with proline.
Molecular consequence: missense variant.
Genome position (GRCh38, 1-based): chr11:108,302,967, G>C. VCF-style: chr11-108302967-G-C. GRCh37 (hg19) VCF-style: chr11-108173694-G-C.
Other names: c.5434G>C, p.Ala1812Pro (NM_001351834.2); short protein forms A1812P.
Identifiers: ClinVar variation 1747512 (VCV001747512.3), dbSNP rs2135929811, ClinGen allele CA382544047.

ClinVar aggregate classification (germline): Uncertain significance. Review status: criteria provided, multiple submitters, no conflicts (2 of 4 stars). 2 submissions from 2 submitters: Uncertain significance (2). Last evaluated 2025-10-29.

Conditions:
Ataxia-telangiectasia syndrome (AT). Also called: LOUIS-BAR SYNDROME; Cerebello-oculocutaneous telangiectasia; Immunodeficiency with ataxia telangiectasia; Ataxia-telangiectasia, complementation group D; AT, COMPLEMENTATION GROUP C; ATAXIA-TELANGIECTASIA, COMPLEMENTATION GROUP A. Identifiers: Orphanet 100, MedGen C0004135, MONDO:0008840, OMIM 208900.
Hereditary cancer-predisposing syndrome. Also called: Neoplastic Syndromes, Hereditary; Tumor predisposition; Hereditary Cancer Syndrome; Hereditary neoplastic syndrome. Identifiers: Orphanet 140162, MedGen C0027672, MeSH D009386, MONDO:0015356.

Allele frequency attached by ClinVar (database versions not stated): gnomAD exomes below 0.00001.
gnomAD v4.1: 1 of 1,613,472 alleles (0.000062%); highest among the groups gnomAD compares: Non-Finnish European, 0.000085%; no homozygotes.

Submissions (2):

Labcorp Genetics (formerly Invitae), Labcorp
Classification: Uncertain significance for Ataxia-telangiectasia syndrome. Last evaluated: 2025-10-29. Review status: criteria provided, single submitter. Criteria: Invitae Variant Classification Sherloc (09022015). Collection method: clinical testing. Allele origin: germline.
Comment: This sequence change replaces alanine, which is neutral and non-polar, with proline, which is neutral and non-polar, at codon 1812 of the ATM protein (p.Ala1812Pro). This variant is not present in population databases (gnomAD no frequency). This variant has not been reported in the literature in individuals affected with ATM-related conditions. ClinVar contains an entry for this variant (Variation ID: 1747512). Invitae Evidence Modeling of protein sequence and biophysical properties (such as structural, functional, and spatial information, amino acid conservation, physicochemical variation, residue mobility, and thermodynamic stability) indicates that this missense variant is not expected to disrupt ATM protein function with a negative predictive value of 95%. In summary, the available evidence is currently insufficient to determine the role of this variant in disease. Therefore, it has been classified as a Variant of Uncertain Significance.

Ambry Genetics
Classification: Uncertain significance for Hereditary cancer-predisposing syndrome. Last evaluated: 2021-11-08. Review status: criteria provided, single submitter. Criteria: Ambry Variant Classification Scheme 2023. Collection method: clinical testing. Allele origin: germline.
Comment: The p.A1812P variant (also known as c.5434G>C), located in coding exon 35 of the ATM gene, results from a G to C substitution at nucleotide position 5434. The alanine at codon 1812 is replaced by proline, an amino acid with highly similar properties. This amino acid position is well conserved in available vertebrate species. In addition, the in silico prediction for this alteration is inconclusive. Since supporting evidence is limited at this time, the clinical significance of this alteration remains unclear.